The following is an entry in ClinVar:

NM_001127222.2(CACNA1A):c.4625C>T (p.Pro1542Leu)

Gene: CACNA1A (calcium voltage-gated channel subunit alpha1 A; minus strand). Cytogenetic location: 19p13.13.
Variant type: single nucleotide variant.
Coding change: c.4625C>T on transcript NM_001127222.2 (MANE Select); coding-DNA position 4625, C replaced by T.
Protein change: p.Pro1542Leu; replaces proline 1542 with leucine.
Molecular consequence: missense variant.
Genome position (GRCh38, 1-based): chr19:13,255,225, G>A on the plus strand (C>T on the coding strand, the complement: CACNA1A is on the minus strand). VCF-style: chr19-13255225-G-A. GRCh37 (hg19) VCF-style: chr19-13366039-G-A.
Other names: c.4637C>T, p.Pro1546Leu (NM_000068.4, NM_023035.3); c.4628C>T, p.Pro1543Leu (NM_001127221.2, NM_001174080.2); short protein forms P1543L, P1546L, P1542L.
Identifiers: ClinVar variation 422141 (VCV000422141.4), dbSNP rs773901223, ClinGen allele CA9239976.

ClinVar aggregate classification (germline): Uncertain significance (1 of 4 stars; one submission).

Allele frequency attached by ClinVar (database versions not stated): gnomAD exomes below 0.00001; ExAC 0.00001.
gnomAD v4.1: 2 of 1,606,572 alleles (0.00012%); highest among the groups gnomAD compares: South Asian, 0.0011%; no homozygotes.

Submission:

GeneDx
Classification: Uncertain significance. Last evaluated: 2026-08-06. Review status: criteria provided, single submitter. Criteria: GeneDx Variant Classification Process June 2021. Collection method: clinical testing. Allele origin: germline.
Comment: Not observed at significant frequency in large population cohorts (gnomAD); In silico analysis supports that this missense variant has a deleterious effect on protein structure/function; Has not been previously published as pathogenic or benign to our knowledge